The following is an entry in ClinVar:

NM_020433.5(JPH2):c.1409C>T (p.Pro470Leu)

Gene: JPH2 (junctophilin 2; minus strand). Cytogenetic location: 20q13.12.
Variant type: single nucleotide variant.
Coding change: c.1409C>T on transcript NM_020433.5 (MANE Select); coding-DNA position 1409, C replaced by T.
Protein change: p.Pro470Leu; replaces proline 470 with leucine.
Molecular consequence: missense variant.
Genome position (GRCh38, 1-based): chr20:44,116,266, G>A on the plus strand (C>T on the coding strand, the complement: JPH2 is on the minus strand). VCF-style: chr20-44116266-G-A. GRCh37 (hg19) VCF-style: chr20-42744906-G-A.
Other names: short protein forms P470L.
Identifiers: ClinVar variation 1461445 (VCV001461445.9), dbSNP rs1312283242, ClinGen allele CA409100685.

ClinVar aggregate classification (germline): Uncertain significance. Review status: criteria provided, multiple submitters, no conflicts (2 of 4 stars). 3 submissions from 3 submitters: Uncertain significance (3). Last evaluated 2025-01-22.

Conditions:
Cardiovascular phenotype. Identifiers: MedGen CN230736.
Hypertrophic cardiomyopathy. Also called: HYPERTROPHIC MYOCARDIOPATHY. Identifiers: Orphanet 217569, MedGen C0007194, MeSH D002312, MONDO:0005045, HP:0001639.

Allele frequency attached by ClinVar (database versions not stated): gnomAD exomes 0.00001; TOPMed 0.00001.

Submissions (3):

Labcorp Genetics (formerly Invitae), Labcorp
Classification: Uncertain significance for Hypertrophic cardiomyopathy. Last evaluated: 2025-01-22. Review status: criteria provided, single submitter. Criteria: Invitae Variant Classification Sherloc (09022015). Collection method: clinical testing. Allele origin: germline.
Comment: This sequence change replaces proline, which is neutral and non-polar, with leucine, which is neutral and non-polar, at codon 470 of the JPH2 protein (p.Pro470Leu). This variant is not present in population databases (gnomAD no frequency). This variant has not been reported in the literature in individuals affected with JPH2-related conditions. ClinVar contains an entry for this variant (Variation ID: 1461445). An algorithm developed to predict the effect of missense changes on protein structure and function (PolyPhen-2) suggests that this variant is likely to be disruptive. In summary, the available evidence is currently insufficient to determine the role of this variant in disease. Therefore, it has been classified as a Variant of Uncertain Significance.

Blueprint Genetics
Classification: Uncertain significance. Last evaluated: 2020-11-16. Review status: criteria provided, single submitter. Criteria: ACMG Guidelines, 2015. Collection method: clinical testing. Allele origin: germline.

Ambry Genetics
Classification: Uncertain significance for Cardiovascular phenotype. Last evaluated: 2019-12-27. Review status: criteria provided, single submitter. Criteria: Ambry Variant Classification Scheme 2023. Collection method: clinical testing. Allele origin: germline.
Comment: The p.P470L variant (also known as c.1409C>T), located in coding exon 4 of the JPH2 gene, results from a C to T substitution at nucleotide position 1409. The proline at codon 470 is replaced by leucine, an amino acid with similar properties. This amino acid position is highly conserved in available vertebrate species. In addition, this alteration is predicted to be tolerated by in silico analysis. Since supporting evidence is limited at this time, the clinical significance of this alteration remains unclear.